The following is an entry in ClinVar:

ClinVar aggregate classification (germline): Likely pathogenic (1 of 4 stars; one submission).

Conditions:
Peripheral neuropathy, autosomal recessive, with or without impaired intellectual development. Identifiers: MedGen C4748283, MONDO:0029131, OMIM 618124.

Submission:

Division Of Personalized Genomic Medicine, Columbia University Irving Medical Center
Classification: Likely pathogenic for Peripheral neuropathy, autosomal recessive, with or without impaired intellectual development. Last evaluated: 2021-04-23. Review status: criteria provided, single submitter. Criteria: ACMG Guidelines, 2015. Collection method: clinical testing. Allele origin: paternal. Inheritance: Autosomal recessive inheritance. Affected: yes. Observed: 1 compound heterozygote.
Comment: The variant in the MCM3AP gene, c.160C>T is a nonsense variant, resulting in premature stop codon at position 54(p.Gln54*). This variant localizes to coding exon 1 of the MCMAP3 gene (28 exons in total; NM_003906.5) and is predicted to cause loss of normal protein function either through protein truncation or nonsense-mediated mRNA decay. This variant is absent in the Genome Aggregation Database (gnomAD), indicating it is not a common benign variant in the populations represented in this database. To the best of our knowledge, this specific variant has not been reported in the literature to be associated with disease. Loss-of-function variants in MCM3AP have been established to be disease causing (PMID: 28633435, 32202298).

Literature cited by the submitters: PubMed 28633435; PubMed 32202298.

NM_003906.5(MCM3AP):c.160C>T (p.Gln54Ter)

Gene: MCM3AP (minichromosome maintenance complex component 3 associated protein; minus strand). Cytogenetic location: 21q22.3.
Variant type: single nucleotide variant.
Coding change: c.160C>T on transcript NM_003906.5 (MANE Select); coding-DNA position 160, C replaced by T.
Protein change: p.Gln54Ter; replaces glutamine 54 with a stop codon.
Molecular consequence: nonsense.
Genome position (GRCh38, 1-based): chr21:46,285,127, G>A on the plus strand (C>T on the coding strand, the complement: MCM3AP is on the minus strand). VCF-style: chr21-46285127-G-A. GRCh37 (hg19) VCF-style: chr21-47705041-G-A.
Other names: short protein forms Q54*.
Identifiers: ClinVar variation 2674614 (VCV002674614.2), dbSNP rs2517442774, ClinGen allele CA410537955.